The following is an entry in ClinVar:

ClinVar aggregate classification (germline): Uncertain significance. Review status: criteria provided, multiple submitters, no conflicts (2 of 4 stars). 2 submissions from 2 submitters: Uncertain significance (2). Last evaluated 2025-11-03.

Allele frequency attached by ClinVar (database versions not stated): ExAC 0.00003.

Submissions (2):

Ambry Genetics
Classification: Uncertain significance. Last evaluated: 2025-11-03. Review status: criteria provided, single submitter. Criteria: Ambry Variant Classification Scheme 2023. Collection method: clinical testing. Allele origin: germline.

Labcorp Genetics (formerly Invitae), Labcorp
Classification: Uncertain significance. Last evaluated: 2025-03-17. Review status: criteria provided, single submitter. Criteria: Invitae Variant Classification Sherloc (09022015). Collection method: clinical testing. Allele origin: germline.
Comment: This sequence change replaces leucine, which is neutral and non-polar, with valine, which is neutral and non-polar, at codon 489 of the SLC41A1 protein (p.Leu489Val). This variant is present in population databases (rs768929818, gnomAD 0.03%). This variant has not been reported in the literature in individuals affected with SLC41A1-related conditions. ClinVar contains an entry for this variant (Variation ID: 1909046). An algorithm developed to predict the effect of missense changes on protein structure and function (PolyPhen-2) suggests that this variant is likely to be tolerated. In summary, the available evidence is currently insufficient to determine the role of this variant in disease. Therefore, it has been classified as a Variant of Uncertain Significance.

NM_173854.6(SLC41A1):c.1465C>G (p.Leu489Val)

Gene: SLC41A1 (solute carrier family 41 member 1; minus strand). Cytogenetic location: 1q32.1.
Variant type: single nucleotide variant.
Coding change: c.1465C>G on transcript NM_173854.6 (MANE Select); coding-DNA position 1465, C replaced by G.
Protein change: p.Leu489Val; replaces leucine 489 with valine.
Molecular consequence: missense variant.
Genome position (GRCh38, 1-based): chr1:205,791,610, G>C on the plus strand (C>G on the coding strand, the complement: SLC41A1 is on the minus strand). VCF-style: chr1-205791610-G-C. GRCh37 (hg19) VCF-style: chr1-205760738-G-C.
Other names: c.1465C>G (NM_173854.4); short protein forms L489V.
Identifiers: ClinVar variation 1909046 (VCV001909046.7), dbSNP rs768929818, ClinGen allele CA1357104.